The following is an entry in ClinVar:

ClinVar aggregate classification (germline): Uncertain significance (1 of 4 stars; one submission).

Submission:

Quest Diagnostics Nichols Institute San Juan Capistrano
Classification: Uncertain significance. Last evaluated: 2025-02-10. Review status: criteria provided, single submitter. Criteria: Quest Diagnostics criteria. Collection method: clinical testing. Allele origin: unknown.
Comment: The VWF c.80G>A (p.Arg27His) variant has been reported in the published literature in an individual affected with hemophilia (PMID: 32190902 (2020)). The frequency of this variant in the general population (Genome Aggregation Database) is uninformative in the assessment of its pathogenicity. Analysis of this variant using a bioinformatics tool for the prediction of the effect of amino acid changes on protein structure and function yielded a prediction that this variant is benign. Based on the available information, we are unable to determine the clinical significance of this variant.

Literature cited by the submitters: PubMed 32190902.

NM_000552.5(VWF):c.80G>A (p.Arg27His)

Gene: VWF (von Willebrand factor; minus strand). Cytogenetic location: 12p13.31.
Variant type: single nucleotide variant.
Coding change: c.80G>A on transcript NM_000552.5 (MANE Select); coding-DNA position 80, G replaced by A.
Protein change: p.Arg27His; replaces arginine 27 with histidine.
Molecular consequence: missense variant.
Genome position (GRCh38, 1-based): chr12:6,121,314, C>T on the plus strand (G>A on the coding strand, the complement: VWF is on the minus strand). VCF-style: chr12-6121314-C-T. GRCh37 (hg19) VCF-style: chr12-6230480-C-T.
Other names: short protein forms R27H.
Identifiers: ClinVar variation 4533027 (VCV004533027.1).